The following is an entry in ClinVar:

NM_001321759.2(CDIN1):c.150A>G (p.Lys50=)

Gene: CDIN1 (CDAN1 interacting nuclease 1; plus strand). Cytogenetic location: 15q14.
Variant type: single nucleotide variant.
Coding change: c.150A>G on transcript NM_001321759.2 (MANE Select); coding-DNA position 150, A replaced by G.
Protein change: p.Lys50=; no amino-acid change (lysine 50 retained).
Molecular consequence: synonymous variant. On other transcripts: 5 prime UTR variant (4), intron variant (1).
Genome position (GRCh38, 1-based): chr15:36,645,225, A>G. VCF-style: chr15-36645225-A-G. GRCh37 (hg19) VCF-style: chr15-36937426-A-G.
Other names: c.150A>G, p.Lys50= (NM_001130010.3, NM_001290233.2, NM_001321760.2 and 1 more transcripts); c.-145A>G (NM_001290232.2, NM_001321756.2, NM_032499.6); c.-254A>G (NM_001321757.2); c.102-8873A>G (NM_001321758.2).
Identifiers: ClinVar variation 1949053 (VCV001949053.5), dbSNP rs2040264341, ClinGen allele CA489628200.

ClinVar aggregate classification (germline): Uncertain significance (1 of 4 stars; one submission).

Allele frequency attached by ClinVar (database versions not stated): gnomAD exomes below 0.00001; TOPMed below 0.00001.
gnomAD v4.1: 4 of 1,551,512 alleles (0.00026%); highest among the groups gnomAD compares: East Asian, 0.0024%; no homozygotes.

Submission:

Labcorp Genetics (formerly Invitae), Labcorp
Classification: Uncertain significance. Last evaluated: 2022-03-18. Review status: criteria provided, single submitter. Criteria: Invitae Variant Classification Sherloc (09022015). Collection method: clinical testing. Allele origin: germline.
Comment: This variant has not been reported in the literature in individuals affected with C15orf41-related conditions. In summary, the available evidence is currently insufficient to determine the role of this variant in disease. Therefore, it has been classified as a Variant of Uncertain Significance. Algorithms developed to predict the effect of sequence changes on RNA splicing suggest that this variant may create or strengthen a splice site. This variant is not present in population databases (gnomAD no frequency). This sequence change affects codon 50 of the C15orf41 mRNA. It is a 'silent' change, meaning that it does not change the encoded amino acid sequence of the C15orf41 protein.